The following is an entry in ClinVar:

NM_020693.4(DSCAML1):c.3339G>T (p.Glu1113Asp)

Gene: DSCAML1 (DS cell adhesion molecule like 1; minus strand). Cytogenetic location: 11q23.3.
Variant type: single nucleotide variant.
Coding change: c.3339G>T on transcript NM_020693.4 (MANE Select); coding-DNA position 3339, G replaced by T.
Protein change: p.Glu1113Asp; replaces glutamic acid 1113 with aspartic acid.
Molecular consequence: missense variant.
Genome position (GRCh38, 1-based): chr11:117,461,523, C>A on the plus strand (G>T on the coding strand, the complement: DSCAML1 is on the minus strand). VCF-style: chr11-117461523-C-A. GRCh37 (hg19) VCF-style: chr11-117332239-C-A.
Other names: short protein forms E1113D.
Identifiers: ClinVar variation 2870416 (VCV002870416.3), dbSNP rs1464314543, ClinGen allele CA382736814.

ClinVar aggregate classification (germline): Uncertain significance (1 of 4 stars; one submission).

gnomAD v4.1: 4 of 1,614,084 alleles (0.00025%); highest among the groups gnomAD compares: Admixed American, 0.0017%; no homozygotes.

Submission:

Labcorp Genetics (formerly Invitae), Labcorp
Classification: Uncertain significance. Last evaluated: 2023-12-30. Review status: criteria provided, single submitter. Criteria: Invitae Variant Classification Sherloc (09022015). Collection method: clinical testing. Allele origin: germline.
Comment: This sequence change replaces glutamic acid, which is acidic and polar, with aspartic acid, which is acidic and polar, at codon 1173 of the DSCAML1 protein (p.Glu1173Asp). This variant is not present in population databases (gnomAD no frequency). This variant has not been reported in the literature in individuals affected with DSCAML1-related conditions. An algorithm developed to predict the effect of missense changes on protein structure and function (PolyPhen-2) suggests that this variant is likely to be tolerated. In summary, the available evidence is currently insufficient to determine the role of this variant in disease. Therefore, it has been classified as a Variant of Uncertain Significance.